The following is an entry in ClinVar:

NM_000548.5(TSC2):c.2479G>A (p.Val827Met)

Gene: TSC2 (TSC complex subunit 2; plus strand). Cytogenetic location: 16p13.3.
Variant type: single nucleotide variant.
Coding change: c.2479G>A on transcript NM_000548.5 (MANE Select); coding-DNA position 2479, G replaced by A.
Protein change: p.Val827Met; replaces valine 827 with methionine.
Molecular consequence: missense variant.
Genome position (GRCh38, 1-based): chr16:2,074,323, G>A. VCF-style: chr16-2074323-G-A. GRCh37 (hg19) VCF-style: chr16-2124324-G-A.
Other names: c.2479G>A, p.Val827Met (NM_001114382.3, NM_001363528.2, NM_001370404.1 and 3 more transcripts); c.2368G>A, p.Val790Met (NM_001318827.2); c.2332G>A, p.Val778Met (NM_001318829.2); c.1879G>A, p.Val627Met (NM_001318831.2); c.2512G>A, p.Val838Met (NM_001318832.2); short protein forms V827M, V627M, V778M, V790M, V838M.
Identifiers: ClinVar variation 626040 (VCV000626040.16), dbSNP rs543738044, ClinGen allele CA039169.

ClinVar aggregate classification (germline): Conflicting classifications of pathogenicity. Review status: criteria provided, conflicting classifications (1 of 4 stars). 5 submissions from 5 submitters: Uncertain significance (3); Benign (1); Likely benign (1). Last evaluated 2025-08-29.

Conditions:
Isolated focal cortical dysplasia type II (FCORD2). Also called: Focal cortical dysplasia type II; CORTICAL DYSPLASIA OF TAYLOR. Identifiers: Orphanet 268994, MedGen C1846385, MONDO:0011818, OMIM 607341, HP:0032051.
Lymphangiomyomatosis (LAM). Also called: Lymphangioleiomyomatosis; Lymphangioleiomyomatosis, somatic. Identifiers: Orphanet 538, MedGen C0751674, MONDO:0011705, OMIM 606690.
Tuberous sclerosis 2 (TSC2). Identifiers: Orphanet 805, MedGen C1860707, MONDO:0013199, OMIM 613254.
Hereditary cancer-predisposing syndrome. Also called: Tumor predisposition; Neoplastic Syndromes, Hereditary; Hereditary Cancer Syndrome; Hereditary neoplastic syndrome. Identifiers: Orphanet 140162, MedGen C0027672, MeSH D009386, MONDO:0015356.

Allele frequency attached by ClinVar (database versions not stated): gnomAD 0.00001; gnomAD exomes 0.00001 and 0.00002; ExAC 0.00002; 1000 Genomes Project 30x 0.00016; 1000 Genomes Project 0.00020.

Submissions (5):

Labcorp Genetics (formerly Invitae), Labcorp
Classification: Benign for Tuberous sclerosis 2. Last evaluated: 2025-08-29. Review status: criteria provided, single submitter. Criteria: Invitae Variant Classification Sherloc (09022015). Collection method: clinical testing. Allele origin: germline.

Myriad Genetics, Inc.
Classification: Likely benign for Tuberous sclerosis 2. Last evaluated: 2024-08-13. Review status: criteria provided, single submitter. Criteria: Myriad Autosomal Dominant, Autosomal Recessive and X-Linked Classification Criteria (2023). Collection method: clinical testing. Allele origin: unknown.
Comment: This variant is considered likely benign. This variant has been observed at a population frequency that is significantly greater than expected given the associated disease prevalence and penetrance.

Ambry Genetics
Classification: Uncertain significance for Hereditary cancer-predisposing syndrome. Last evaluated: 2024-06-22. Review status: criteria provided, single submitter. Criteria: Ambry Variant Classification Scheme 2023. Collection method: clinical testing. Allele origin: germline.
Comment: The p.V827M variant (also known as c.2479G>A), located in coding exon 21 of the TSC2 gene, results from a G to A substitution at nucleotide position 2479. The valine at codon 827 is replaced by methionine, an amino acid with highly similar properties. This amino acid position is conserved. In addition, the in silico prediction for this alteration is inconclusive. Based on the available evidence, the clinical significance of this variant remains unclear.

Genome-Nilou Lab
Classification: Uncertain significance for Tuberous sclerosis 2. Last evaluated: 2021-11-07. Review status: criteria provided, single submitter. Criteria: ACMG Guidelines, 2015. Collection method: clinical testing. Allele origin: germline. Affected: no.

Center for Genomics, Ann and Robert H. Lurie Children's Hospital of Chicago
Classification: Uncertain significance for Lymphangiomyomatosis; Isolated focal cortical dysplasia type II; Tuberous sclerosis 2. Review status: criteria provided, single submitter. Criteria: ACMG Guidelines, 2015. Collection method: clinical testing. Allele origin: germline.
Comment: TSC2 NM_000548.4 exon 22 p.Val827Met (c.2479G>A): This variant has not been reported in the literature but is present in 2/30782 South Asian alleles in the Genome Aggregation Database. Evolutionary conservation and computational predictive tools for this variant are unclear. In summary, data on this variant is insufficient for disease classification. Therefore, the clinical significance of this variant is uncertain.